The following is an entry in ClinVar:

NM_024675.4(PALB2):c.770G>A (p.Gly257Asp)

Gene: PALB2 (partner and localizer of BRCA2; minus strand). Cytogenetic location: 16p12.2.
Variant type: single nucleotide variant.
Coding change: c.770G>A on transcript NM_024675.4 (MANE Select); coding-DNA position 770, G replaced by A.
Protein change: p.Gly257Asp; replaces glycine 257 with aspartic acid.
Molecular consequence: missense variant. On other transcripts: 5 prime UTR variant (8), intron variant (3).
Genome position (GRCh38, 1-based): chr16:23,635,776, C>T on the plus strand (G>A on the coding strand, the complement: PALB2 is on the minus strand). VCF-style: chr16-23635776-C-T. GRCh37 (hg19) VCF-style: chr16-23647097-C-T.
Other names: c.710G>A, p.Gly237Asp (NM_001407296.1); c.770G>A, p.Gly257Asp (NM_001407297.1, NM_001407298.1, NM_001407299.1 and 3 more transcripts); c.-116G>A (NM_001407304.1, NM_001407305.1, NM_001407306.1 and 5 more transcripts); c.48+5334G>A (NM_001407314.1); c.-104-5307G>A (NM_001407313.1, NM_001407312.1); short protein forms G237D, G257D.
Identifiers: ClinVar variation 3728988 (VCV003728988.3).
Genomic context (GRCh38, chr16:23,635,776, plus strand): 5'-TCGTGAGTAGTAAGTTCACTGCTACCTTTAGGAGGAATGTGTTCAAGGTGCTGACTACTA[C>T]CGCTATCTGATAGAGTCTGTAAAGGAACTGTAGTCGCCCTGGTGAAATTAGGTCTTCTTA-3'
Protein context (NP_078951.2, residues 247-267): TVPLQTLSDS[Gly257Asp]SSQHLEHIPP

ClinVar aggregate classification (germline): Uncertain significance. Review status: criteria provided, multiple submitters, no conflicts (2 of 4 stars). 2 submissions from 2 submitters: Uncertain significance (2). Last evaluated 2025-10-28.

Conditions:
Hereditary cancer-predisposing syndrome. Also called: Hereditary Cancer Syndrome; Hereditary neoplastic syndrome; Neoplastic Syndromes, Hereditary; Tumor predisposition. Identifiers: Orphanet 140162, MedGen C0027672, MeSH D009386, MONDO:0015356.
Familial cancer of breast. Also called: Hereditary breast cancer; BREAST CANCER, FAMILIAL; hereditary breast carcinoma. Identifiers: Orphanet 227535, MedGen C0346153, MONDO:0016419, OMIM 114480. Disease mechanism: loss of function.

Submissions (2):

Ambry Genetics
Classification: Uncertain significance for Hereditary cancer-predisposing syndrome. Last evaluated: 2025-10-28. Review status: criteria provided, single submitter. Criteria: Ambry Variant Classification Scheme 2023. Collection method: clinical testing. Allele origin: germline.
Comment: The p.G257D variant (also known as c.770G>A), located in coding exon 4 of the PALB2 gene, results from a G to A substitution at nucleotide position 770. The glycine at codon 257 is replaced by aspartic acid, an amino acid with similar properties. This amino acid position is conserved. In addition, this alteration is predicted to be tolerated by in silico analysis. Based on the available evidence, the clinical significance of this variant remains unclear.

Labcorp Genetics (formerly Invitae), Labcorp
Classification: Uncertain significance for Familial cancer of breast. Last evaluated: 2025-01-14. Review status: criteria provided, single submitter. Criteria: Invitae Variant Classification Sherloc (09022015). Collection method: clinical testing. Allele origin: germline.
Comment: This sequence change replaces glycine, which is neutral and non-polar, with aspartic acid, which is acidic and polar, at codon 257 of the PALB2 protein (p.Gly257Asp). This variant is present in population databases (no rsID available, gnomAD 0.006%). This variant has not been reported in the literature in individuals affected with PALB2-related conditions. An algorithm developed to predict the effect of missense changes on protein structure and function (PolyPhen-2) suggests that this variant is likely to be tolerated. In summary, the available evidence is currently insufficient to determine the role of this variant in disease. Therefore, it has been classified as a Variant of Uncertain Significance.